The following is an entry in ClinVar:

ClinVar aggregate classification (germline): Likely benign (1 of 4 stars; one submission).

Submission:

CeGaT Center for Human Genetics Tuebingen
Classification: Likely benign. Last evaluated: 2024-07-01. Review status: criteria provided, single submitter. Criteria: CeGaT Center For Human Genetics Tuebingen Variant Classification Criteria Version 2. Collection method: clinical testing. Allele origin: germline. Affected: yes. Observed: 2 variant alleles.
Comment: CIZ1: BP4, BP7

NM_001131016.2(CIZ1):c.2595C>G (p.Arg865=)

Gene: CIZ1 (CDKN1A interacting zinc finger protein 1; minus strand). Cytogenetic location: 9q34.11.
Variant type: single nucleotide variant.
Coding change: c.2595C>G on transcript NM_001131016.2 (MANE Select); coding-DNA position 2595, C replaced by G.
Protein change: p.Arg865=; no amino-acid change (arginine 865 retained).
Molecular consequence: synonymous variant.
Genome position (GRCh38, 1-based): chr9:128,166,299, G>C on the plus strand (C>G on the coding strand, the complement: CIZ1 is on the minus strand). VCF-style: chr9-128166299-G-C. GRCh37 (hg19) VCF-style: chr9-130928578-G-C.
Other names: c.2427C>G, p.Arg809= (NM_001131015.2); c.2412C>G, p.Arg804= (NM_001131017.2); c.2355C>G, p.Arg785= (NM_001131018.2); c.2763C>G, p.Arg921= (NM_001257975.2); c.2292C>G, p.Arg764= (NM_001257976.2); c.2595C>G, p.Arg865= (NM_012127.3).
Identifiers: ClinVar variation 2659518 (VCV002659518.24), dbSNP rs1196533104, ClinGen allele CA467282054.
Genomic context (GRCh38, chr9:128,166,299, plus strand): 5'-GGAGGGTCGAGCCGTCACCTTGCTGGGTGTTTTGTCCTGGGTGTTGGGCTGGGAGGGTGG[G>C]CGGCCGCTGGAGGTGAACAGGGCTGTCAAAGCGTTCCGGGCGTTGATTGCGCACCGGCGG-3'
Protein context (NP_001124488.1, residues 855-875): ALTALFTSSG[Arg865=]PPSQPNTQDK